The following is an entry in ClinVar:

ClinVar aggregate classification (germline): Uncertain significance (1 of 4 stars; one submission).

Conditions:
Inborn genetic diseases. Identifiers: MedGen C0950123, MeSH D030342.

gnomAD v4.1: 2 of 1,610,582 alleles (0.00012%); highest among the groups gnomAD compares: East Asian, 0.0022%; no homozygotes.

Submission:

Ambry Genetics
Classification: Uncertain significance for Inborn genetic diseases. Last evaluated: 2025-06-15. Review status: criteria provided, single submitter. Criteria: Ambry Variant Classification Scheme 2023. Collection method: clinical testing. Allele origin: germline.
Comment: The p.R159L variant (also known as c.476G>T), located in coding exon 3 of the MIB1 gene, results from a G to T substitution at nucleotide position 476. The arginine at codon 159 is replaced by leucine, an amino acid with dissimilar properties. This amino acid position is conserved. In addition, this alteration is predicted to be deleterious by in silico analysis. Based on the available evidence, the clinical significance of this variant remains unclear.

NM_020774.4(MIB1):c.476G>T (p.Arg159Leu)

Gene: MIB1 (MIB E3 ubiquitin protein ligase 1; plus strand). Cytogenetic location: 18q11.2.
Variant type: single nucleotide variant.
Coding change: c.476G>T on transcript NM_020774.4 (MANE Select); coding-DNA position 476, G replaced by T.
Protein change: p.Arg159Leu; replaces arginine 159 with leucine.
Molecular consequence: missense variant.
Genome position (GRCh38, 1-based): chr18:21,768,697, G>T. VCF-style: chr18-21768697-G-T. GRCh37 (hg19) VCF-style: chr18-19348658-G-T.
Other names: short protein forms R159L.
Identifiers: ClinVar variation 4107585 (VCV004107585.1).